The following is an entry in ClinVar:

NM_177438.3(DICER1):c.3505dup (p.Ser1169fs)

Gene: DICER1 (dicer 1, ribonuclease III; minus strand). Cytogenetic location: 14q32.13.
Variant type: Duplication.
Coding change: c.3505dup on transcript NM_177438.3 (MANE Select); coding-DNA position 3505, one base duplicated (T; older notation c.3505dupT).
Protein change: p.Ser1169fs; shifts the reading frame from serine 1169.
Molecular consequence: frameshift variant.
Genome position (GRCh38, 1-based): chr14:95,103,891, A duplicated on the plus strand (T on the coding strand, the reverse complement: DICER1 is on the minus strand); the first of 3 consecutive A bases (chr14:95,103,891-95,103,893); duplicating any one gives the same sequence. VCF-style (leftmost placement, unchanged base first): chr14-95103890-G-GA. GRCh37 (hg19) VCF-style: chr14-95570227-G-GA.
Other names: c.3505dup, p.Ser1169fs (NM_001195573.1, NM_001271282.3, NM_001291628.2 and 1 more transcripts); short protein forms S1169fs.
Identifiers: ClinVar variation 932985 (VCV000932985.3), dbSNP rs1891152911, ClinGen allele CA1139663716.

ClinVar aggregate classification (germline): Pathogenic (1 of 4 stars; one submission).

Conditions:
DICER1-related tumor predisposition. Also called: DICER1-related pleuropulmonary blastoma cancer predisposition syndrome; DICER1 syndrome. Identifiers: Orphanet 284343, MedGen C3839822, MONDO:0100216.

Submission:

Foulkes Cancer Genetics LDI, Lady Davis Institute for Medical Research
Classification: Pathogenic for Pleuropulmonary blastoma. Last evaluated: 2019-07-01. Review status: criteria provided, single submitter. Criteria: ACMG Guidelines, 2015. Collection method: curation. Allele origin: germline. Affected: yes. Observed: 1 variant allele.
Comment: ACMG criteria met: PVS1, PM2, PP4

Literature cited by the submitters: PubMed 24617712.